The following is an entry in ClinVar:

NM_001145860.2(POP1):c.1864C>T (p.Leu622Phe)

Gene: POP1 (POP1 homolog, ribonuclease P/MRP subunit; plus strand). Cytogenetic location: 8q22.2.
Variant type: single nucleotide variant.
Coding change: c.1864C>T on transcript NM_001145860.2 (MANE Select); coding-DNA position 1864, C replaced by T.
Protein change: p.Leu622Phe; replaces leucine 622 with phenylalanine.
Molecular consequence: missense variant.
Genome position (GRCh38, 1-based): chr8:98,148,968, C>T. VCF-style: chr8-98148968-C-T. GRCh37 (hg19) VCF-style: chr8-99161196-C-T.
Other names: c.1864C>T, p.Leu622Phe (NM_001145861.2, NM_015029.3); short protein forms L622F.
Identifiers: ClinVar variation 1368232 (VCV001368232.5), dbSNP rs757669850, ClinGen allele CA4820710.

ClinVar aggregate classification (germline): Uncertain significance (1 of 4 stars; one submission).

Allele frequency attached by ClinVar (database versions not stated): gnomAD 0.00003 and 0.00004; gnomAD exomes 0.00004 and 0.00020; TOPMed 0.00009; ExAC 0.00020.
gnomAD v4.1: 60 of 1,613,556 alleles (0.0037%); highest among the groups gnomAD compares: Admixed American, 0.1%; no homozygotes.

Submission:

Labcorp Genetics (formerly Invitae), Labcorp
Classification: Uncertain significance. Last evaluated: 2022-08-23. Review status: criteria provided, single submitter. Criteria: Invitae Variant Classification Sherloc (09022015). Collection method: clinical testing. Allele origin: germline.
Comment: This sequence change replaces leucine, which is neutral and non-polar, with phenylalanine, which is neutral and non-polar, at codon 622 of the POP1 protein (p.Leu622Phe). This variant is present in population databases (rs757669850, gnomAD 0.1%). This variant has not been reported in the literature in individuals affected with POP1-related conditions. ClinVar contains an entry for this variant (Variation ID: 1368232). Algorithms developed to predict the effect of missense changes on protein structure and function are either unavailable or do not agree on the potential impact of this missense change (SIFT: "Deleterious"; PolyPhen-2: "Possibly Damaging"; Align-GVGD: "Class C0"). In summary, the available evidence is currently insufficient to determine the role of this variant in disease. Therefore, it has been classified as a Variant of Uncertain Significance.